The following is an entry in ClinVar:

NM_002860.4(ALDH18A1):c.482G>A (p.Cys161Tyr)

Gene: ALDH18A1 (aldehyde dehydrogenase 18 family member A1; minus strand). Cytogenetic location: 10q24.1.
Variant type: single nucleotide variant.
Coding change: c.482G>A on transcript NM_002860.4 (MANE Select); coding-DNA position 482, G replaced by A.
Protein change: p.Cys161Tyr; replaces cysteine 161 with tyrosine.
Molecular consequence: missense variant. On other transcripts: intron variant (2).
Genome position (GRCh38, 1-based): chr10:95,637,169, C>T on the plus strand (G>A on the coding strand, the complement: ALDH18A1 is on the minus strand). VCF-style: chr10-95637169-C-T. GRCh37 (hg19) VCF-style: chr10-97396926-C-T.
Other names: c.482G>A, p.Cys161Tyr (NM_001017423.2, NM_001323413.2, NM_001323414.2 and 1 more transcripts); c.149G>A, p.Cys50Tyr (NM_001323412.2, NM_001323416.2, NM_001323418.2); c.-78-3520G>A (NM_001323419.2); c.453+118G>A (NM_001323417.2); short protein forms C161Y, C50Y.
Identifiers: ClinVar variation 373670 (VCV000373670.2), dbSNP rs1057518541, ClinGen allele CA16042724.

ClinVar aggregate classification (germline): Likely pathogenic (1 of 4 stars; one submission).

Submission:

GeneDx
Classification: Likely pathogenic. Last evaluated: 2016-12-13. Review status: criteria provided, single submitter. Criteria: GeneDx Variant Classification (06012015). Collection method: clinical testing. Allele origin: germline. Affected: yes.
Comment: The C161Y variant in the ALDH18A1 gene has not been reported previously as a pathogenic variant, nor as a benign variant, to our knowledge. The C161Y variant was not observed in approximately 6500 individuals of European and African American ancestry in the NHLBI Exome Sequencing Project, indicating it is not a common benign variant in these populations. The C161Y variant is a non-conservative amino acid substitution, which is likely to impact secondary protein structure as these residues differ in polarity, charge, size and/or other properties. This substitution occurs within the glutamate 5-kinase region, at a position that is conserved across species. In silico analysis predicts this variant is probably damaging to the protein structure/function. Therefore, we interpret C161Y as a likely pathogenic variant.